The following is an entry in ClinVar:

NM_001148.6(ANK2):c.9215A>C (p.Asp3072Ala)

Gene: ANK2 (ankyrin 2; plus strand). Cytogenetic location: 4q26.
Variant type: single nucleotide variant.
Coding change: c.9215A>C on transcript NM_001148.6 (MANE Select); coding-DNA position 9215, A replaced by C.
Protein change: p.Asp3072Ala; replaces aspartic acid 3072 with alanine.
Molecular consequence: missense variant. On other transcripts: intron variant (68).
Genome position (GRCh38, 1-based): chr4:113,357,833, A>C. VCF-style: chr4-113357833-A-C. GRCh37 (hg19) VCF-style: chr4-114278989-A-C.
Other names: c.8981A>C, p.Asp2994Ala (NM_001386142.1); c.5615A>C, p.Asp1872Ala (NM_001386166.1); c.9356A>C, p.Asp3119Ala (NM_001386174.1); c.9332A>C, p.Asp3111Ala (NM_001386175.1); c.4412-2990A>C (NM_001386186.2, NM_001386148.2); c.4214-2990A>C (NM_001354269.3); c.4292-2990A>C (NM_001386187.2); c.4253-2990A>C (NM_001386147.1); and 35 more; short protein forms D3111A, D3119A, D3072A, D1872A, D2994A.
Identifiers: ClinVar variation 3539472 (VCV003539472.1).

ClinVar aggregate classification (germline): Uncertain significance (1 of 4 stars; one submission).

Conditions:
Cardiovascular phenotype. Identifiers: MedGen CN230736.

Submission:

Ambry Genetics
Classification: Uncertain significance for Cardiovascular phenotype. Last evaluated: 2024-07-28. Review status: criteria provided, single submitter. Criteria: Ambry Variant Classification Scheme 2023. Collection method: clinical testing. Allele origin: germline.
Comment: The p.D3072A variant (also known as c.9215A>C), located in coding exon 38 of the ANK2 gene, results from an A to C substitution at nucleotide position 9215. The aspartic acid at codon 3072 is replaced by alanine, an amino acid with dissimilar properties. This amino acid position is conserved. In addition, this alteration is predicted to be deleterious by in silico analysis. Based on the available evidence, the clinical significance of this variant remains unclear.